The following is an entry in ClinVar:

NM_004183.4(BEST1):c.302C>G (p.Pro101Arg)

Gene: BEST1 (bestrophin 1; plus strand). Cytogenetic location: 11q12.3.
Variant type: single nucleotide variant.
Coding change: c.302C>G on transcript NM_004183.4 (MANE Select); coding-DNA position 302, C replaced by G.
Protein change: p.Pro101Arg; replaces proline 101 with arginine.
Molecular consequence: missense variant. On other transcripts: non-coding transcript variant (1).
Genome position (GRCh38, 1-based): chr11:61,955,772, C>G. VCF-style: chr11-61955772-C-G. GRCh37 (hg19) VCF-style: chr11-61723244-C-G.
Other names: c.122C>G, p.Pro41Arg (NM_001139443.3, NM_001300786.2, NM_001300787.2); c.-17C>G (NM_001363591.3); c.302C>G, p.Pro101Arg (NM_001363592.2); c.-874C>G (NM_001363593.3); short protein forms P101R, P41R.
Identifiers: ClinVar variation 870723 (VCV000870723.44), dbSNP rs374517178, ClinGen allele CA380834181.

ClinVar aggregate classification (germline): Likely pathogenic. Review status: criteria provided, multiple submitters, no conflicts (2 of 4 stars). 4 submissions from 4 submitters: Likely pathogenic (3). 1 of the submissions does not count toward it. Last evaluated 2024-06-01.

Conditions:
Retinal dystrophy. Also called: Inherited retinal dystrophy. Identifiers: Orphanet 71862, MedGen C0854723, MeSH D058499, MONDO:0019118, HP:0000556.
BEST1-related disorder. Also called: BEST1-related condition; BEST1-related disorders. Identifiers: MedGen CN239200.

Submissions (4):

Labcorp Genetics (formerly Invitae), Labcorp
Classification: Likely pathogenic. Last evaluated: 2024-06-01. Review status: criteria provided, single submitter. Criteria: Invitae Variant Classification Sherloc (09022015). Collection method: clinical testing. Allele origin: germline.
Comment: This sequence change replaces proline, which is neutral and non-polar, with arginine, which is basic and polar, at codon 101 of the BEST1 protein (p.Pro101Arg). This variant is not present in population databases (gnomAD no frequency). This missense change has been observed in individual(s) with inherited retinal disease (PMID: 36460718). ClinVar contains an entry for this variant (Variation ID: 870723). Advanced modeling of protein sequence and biophysical properties (such as structural, functional, and spatial information, amino acid conservation, physicochemical variation, residue mobility, and thermodynamic stability) performed at Invitae indicates that this missense variant is expected to disrupt BEST1 protein function with a positive predictive value of 95%. This variant disrupts the p.Pro101 amino acid residue in BEST1. Other variant(s) that disrupt this residue have been determined to be pathogenic (PMID: 21273940, 28559085, 29068140, 34012682; Invitae). This suggests that this residue is clinically significant, and that variants that disrupt this residue are likely to be disease-causing. In summary, the currently available evidence indicates that the variant is pathogenic, but additional data are needed to prove that conclusively. Therefore, this variant has been classified as Likely Pathogenic.

Blueprint Genetics
Classification: Likely pathogenic for BEST1-related disorders. Last evaluated: 2021-06-02. Review status: criteria provided, single submitter. Criteria: ACMG Guidelines, 2015. Collection method: clinical testing. Allele origin: germline. Affected: yes. Observed: 1 variant allele.

CeGaT Center for Human Genetics Tuebingen
Classification: Likely pathogenic. Last evaluated: 2019-11-01. Review status: criteria provided, single submitter. Criteria: CeGaT Center For Human Genetics Tuebingen Variant Classification Criteria Version 2. Collection method: clinical testing. Allele origin: germline. Affected: yes. Observed: 1 variant allele.

Institute of Human Genetics, Univ. Regensburg, Univ. Regensburg
Classification: Pathogenic for Retinal dystrophy. Last evaluated: 2019-01-01. Review status: no assertion criteria provided. Criteria: ACMG Guidelines, 2015. Collection method: clinical testing. Allele origin: germline. Affected: yes. Not counted in ClinVar's aggregate classification.

Literature cited by the submitters: PubMed 36460718 (cited by Labcorp Genetics (formerly Invitae), Labcorp); PubMed 21273940 (cited by Labcorp Genetics (formerly Invitae), Labcorp); PubMed 28559085 (cited by Labcorp Genetics (formerly Invitae), Labcorp); PubMed 29068140 (cited by Labcorp Genetics (formerly Invitae), Labcorp); PubMed 34012682 (cited by Labcorp Genetics (formerly Invitae), Labcorp).